The following is an entry in ClinVar:

NM_001330588.2(TPP2):c.2248A>G (p.Ile750Val)

Gene: TPP2 (tripeptidyl peptidase 2; plus strand). Cytogenetic location: 13q33.1.
Variant type: single nucleotide variant.
Coding change: c.2248A>G on transcript NM_001330588.2 (MANE Select); coding-DNA position 2248, A replaced by G.
Protein change: p.Ile750Val; replaces isoleucine 750 with valine.
Molecular consequence: missense variant. On other transcripts: non-coding transcript variant (1).
Genome position (GRCh38, 1-based): chr13:102,644,629, A>G. VCF-style: chr13-102644629-A-G. GRCh37 (hg19) VCF-style: chr13-103296979-A-G.
Other names: c.2248A>G, p.Ile750Val (NM_001367947.1, NM_003291.4); short protein forms I750V.
Identifiers: ClinVar variation 1942970 (VCV001942970.5), dbSNP rs766830496, ClinGen allele CA7037959.

ClinVar aggregate classification (germline): Uncertain significance (1 of 4 stars; one submission).

Conditions:
Evans syndrome, immunodeficiency, and premature immunosenescence associated with tripeptidyl-peptidase II deficiency. Identifiers: MedGen CN231723. Disease mechanism: loss of function.

Allele frequency attached by ClinVar (database versions not stated): ExAC 0.00002; gnomAD exomes 0.00002.

Submission:

Labcorp Genetics (formerly Invitae), Labcorp
Classification: Uncertain significance for Evans syndrome, immunodeficiency, and premature immunosenescence associated with tripeptidyl-peptidase II deficiency. Last evaluated: 2023-04-24. Review status: criteria provided, single submitter. Criteria: Invitae Variant Classification Sherloc (09022015). Collection method: clinical testing. Allele origin: germline.
Comment: In summary, the available evidence is currently insufficient to determine the role of this variant in disease. Therefore, it has been classified as a Variant of Uncertain Significance. Algorithms developed to predict the effect of missense changes on protein structure and function output the following: SIFT: "Not Available"; PolyPhen-2: "Benign"; Align-GVGD: "Not Available". The valine amino acid residue is found in multiple mammalian species, which suggests that this missense change does not adversely affect protein function. ClinVar contains an entry for this variant (Variation ID: 1942970). This variant has not been reported in the literature in individuals affected with TPP2-related conditions. This variant is present in population databases (rs766830496, gnomAD 0.02%). This sequence change replaces isoleucine, which is neutral and non-polar, with valine, which is neutral and non-polar, at codon 750 of the TPP2 protein (p.Ile750Val).